The following is an entry in ClinVar:

NM_005198.5(CHKB):c.668G>A (p.Gly223Asp)

Genes: CHKB-CPT1B (CHKB-CPT1B readthrough (NMD candidate); minus strand), CHKB (choline kinase beta; minus strand). Cytogenetic location: 22q13.33.
Variant type: single nucleotide variant.
Coding change: c.668G>A on transcript NM_005198.5 (MANE Select); coding-DNA position 668, G replaced by A.
Protein change: p.Gly223Asp; replaces glycine 223 with aspartic acid.
Molecular consequence: missense variant. On other transcripts: non-coding transcript variant (1).
Genome position (GRCh38, 1-based): chr22:50,580,574, C>T on the plus strand (G>A on the coding strand, the complement: CHKB is on the minus strand). VCF-style: chr22-50580574-C-T. GRCh37 (hg19) VCF-style: chr22-51019003-C-T.
Other names: c.668G>A (NM_005198.4); short protein forms G223D.
Identifiers: ClinVar variation 1041224 (VCV001041224.5), dbSNP rs369606974, ClinGen allele CA10323709.

ClinVar aggregate classification (germline): Uncertain significance. Review status: criteria provided, multiple submitters, no conflicts (2 of 4 stars). 2 submissions from 2 submitters: Uncertain significance (2). Last evaluated 2023-08-09.

Conditions:
Megaconial type congenital muscular dystrophy (MDCMC). Also called: MUSCULAR DYSTROPHY, CONGENITAL, WITH MITOCHONDRIAL STRUCTURAL ABNORMALITIES; CHKB-Related Muscular Dystrophy; CHKB-Related Muscle Diseases. Identifiers: Orphanet 280671, MedGen C1865233, MONDO:0011246, OMIM 602541.

Allele frequency attached by ClinVar (database versions not stated): gnomAD exomes 0.00001 and 0.00002; ExAC 0.00002; TOPMed 0.00006; gnomAD 0.00007 and 0.00009; ESP Exome Variant Server 0.00008.
gnomAD v4.1: 21 of 1,613,978 alleles (0.0013%); highest among the groups gnomAD compares: African/African-American, 0.023%; no homozygotes.

Submissions (2):

Revvity Omics, Revvity
Classification: Uncertain significance for Megaconial type congenital muscular dystrophy. Last evaluated: 2023-08-09. Review status: criteria provided, single submitter. Criteria: ACMG Guidelines, 2015. Collection method: clinical testing. Allele origin: germline.

Labcorp Genetics (formerly Invitae), Labcorp
Classification: Uncertain significance for Megaconial type congenital muscular dystrophy. Last evaluated: 2022-01-11. Review status: criteria provided, single submitter. Criteria: Invitae Variant Classification Sherloc (09022015). Collection method: clinical testing. Allele origin: germline.
Comment: This sequence change replaces glycine, which is neutral and non-polar, with aspartic acid, which is acidic and polar, at codon 223 of the CHKB protein (p.Gly223Asp). This variant is present in population databases (rs369606974, gnomAD 0.02%). This variant has not been reported in the literature in individuals affected with CHKB-related conditions. ClinVar contains an entry for this variant (Variation ID: 1041224). Algorithms developed to predict the effect of missense changes on protein structure and function output the following: SIFT: "Tolerated"; PolyPhen-2: "Benign"; Align-GVGD: "Class C0". The aspartic acid amino acid residue is found in multiple mammalian species, which suggests that this missense change does not adversely affect protein function. In summary, the available evidence is currently insufficient to determine the role of this variant in disease. Therefore, it has been classified as a Variant of Uncertain Significance.